The following is an entry in ClinVar:

ClinVar aggregate classification (germline): Uncertain significance. Review status: criteria provided, multiple submitters, no conflicts (2 of 4 stars). 2 submissions from 2 submitters: Uncertain significance (2). Last evaluated 2023-12-21.

Allele frequency attached by ClinVar (database versions not stated): gnomAD exomes below 0.00001; ExAC 0.00001.
gnomAD v4.1: 2 of 1,614,224 alleles (0.00012%); highest among the groups gnomAD compares: Non-Finnish European, 0.00017%; no homozygotes.

Submissions (2):

Labcorp Genetics (formerly Invitae), Labcorp
Classification: Uncertain significance. Last evaluated: 2023-12-21. Review status: criteria provided, single submitter. Criteria: Invitae Variant Classification Sherloc (09022015). Collection method: clinical testing. Allele origin: germline.
Comment: This sequence change replaces tyrosine, which is neutral and polar, with cysteine, which is neutral and slightly polar, at codon 260 of the TCF20 protein (p.Tyr260Cys). This variant is present in population databases (rs771482751, gnomAD 0.0009%). This variant has not been reported in the literature in individuals affected with TCF20-related conditions. An algorithm developed to predict the effect of missense changes on protein structure and function (PolyPhen-2) suggests that this variant is likely to be disruptive. In summary, the available evidence is currently insufficient to determine the role of this variant in disease. Therefore, it has been classified as a Variant of Uncertain Significance.

Blueprint Genetics
Classification: Uncertain significance. Last evaluated: 2019-12-10. Review status: criteria provided, single submitter. Criteria: ACMG Guidelines, 2015. Collection method: clinical testing. Allele origin: germline.

NM_001378418.1(TCF20):c.779A>G (p.Tyr260Cys)

Gene: TCF20 (transcription factor 20; minus strand). Cytogenetic location: 22q13.2.
Variant type: single nucleotide variant.
Coding change: c.779A>G on transcript NM_001378418.1 (MANE Select); coding-DNA position 779, A replaced by G.
Protein change: p.Tyr260Cys; replaces tyrosine 260 with cysteine.
Molecular consequence: missense variant.
Genome position (GRCh38, 1-based): chr22:42,214,527, T>C on the plus strand (A>G on the coding strand, the complement: TCF20 is on the minus strand). VCF-style: chr22-42214527-T-C. GRCh37 (hg19) VCF-style: chr22-42610533-T-C.
Other names: c.779A>G, p.Tyr260Cys (NM_005650.4, NM_181492.3); short protein forms Y260C.
Identifiers: ClinVar variation 2781187 (VCV002781187.4), dbSNP rs771482751, ClinGen allele CA10267301.